The following is an entry in ClinVar:

NM_000258.3(MYL3):c.244G>T (p.Ala82Ser)

Gene: MYL3 (myosin light chain 3; minus strand). Cytogenetic location: 3p21.31.
Variant type: single nucleotide variant.
Coding change: c.244G>T on transcript NM_000258.3 (MANE Select); coding-DNA position 244, G replaced by T.
Protein change: p.Ala82Ser; replaces alanine 82 with serine.
Molecular consequence: missense variant.
Genome position (GRCh38, 1-based): chr3:46,860,739, C>A on the plus strand (G>T on the coding strand, the complement: MYL3 is on the minus strand). VCF-style: chr3-46860739-C-A. GRCh37 (hg19) VCF-style: chr3-46902229-C-A.
Other names: c.244G>T, p.Ala82Ser (NM_001406937.1, NM_001406938.1, NM_001406939.1); c.70G>T, p.Ala24Ser (NM_001406940.1, NM_001406941.1); short protein forms A24S, A82S.
Identifiers: ClinVar variation 1791471 (VCV001791471.2), dbSNP rs2544967076, ClinGen allele CA352498163.

ClinVar aggregate classification (germline): Uncertain significance (1 of 4 stars; one submission).

Conditions:
Cardiovascular phenotype. Identifiers: MedGen CN230736.

Submission:

Ambry Genetics
Classification: Uncertain significance for Cardiovascular phenotype. Last evaluated: 2022-08-08. Review status: criteria provided, single submitter. Criteria: Ambry Variant Classification Scheme 2023. Collection method: clinical testing. Allele origin: germline.
Comment: The p.A82S variant (also known as c.244G>T), located in coding exon 3 of the MYL3 gene, results from a G to T substitution at nucleotide position 244. The alanine at codon 82 is replaced by serine, an amino acid with similar properties. This amino acid position is conserved. In addition, the in silico prediction for this alteration is inconclusive. Since supporting evidence is limited at this time, the clinical significance of this alteration remains unclear.